The following is an entry in ClinVar:

NM_033026.6(PCLO):c.14217G>C (p.Gly4739=)

Gene: PCLO (piccolo presynaptic cytomatrix protein; minus strand). Cytogenetic location: 7q21.11.
Variant type: single nucleotide variant.
Coding change: c.14217G>C on transcript NM_033026.6 (MANE Select); coding-DNA position 14217, G replaced by C.
Protein change: p.Gly4739=; no amino-acid change (glycine 4739 retained).
Molecular consequence: synonymous variant.
Genome position (GRCh38, 1-based): chr7:82,838,223, C>G on the plus strand (G>C on the coding strand, the complement: PCLO is on the minus strand). VCF-style: chr7-82838223-C-G. GRCh37 (hg19) VCF-style: chr7-82467539-C-G.
Other names: c.14217G>C, p.Gly4739= (NM_014510.3); c.14217G>C (NM_033026.5).
Identifiers: ClinVar variation 1590128 (VCV001590128.10), dbSNP rs781587683, ClinGen allele CA4318902.

ClinVar aggregate classification (germline): Likely benign. Review status: criteria provided, single submitter (1 of 4 stars). 2 submissions from 2 submitters: Likely benign (1). 1 of the submissions does not count toward it. Last evaluated 2025-05-14.

Conditions:
PCLO-related disorder. Also called: PCLO-related condition.

Allele frequency attached by ClinVar (database versions not stated): gnomAD exomes 0.00002 and 0.00006; TOPMed 0.00003; gnomAD 0.00004; ExAC 0.00007.
gnomAD v4.1: 38 of 1,597,762 alleles (0.0024%); highest among the groups gnomAD compares: Middle Eastern, 0.05%; no homozygotes.

Submissions (2):

Labcorp Genetics (formerly Invitae), Labcorp
Classification: Likely benign. Last evaluated: 2025-05-14. Review status: criteria provided, single submitter. Criteria: Invitae Variant Classification Sherloc (09022015). Collection method: clinical testing. Allele origin: germline.

PreventionGenetics, part of Exact Sciences
Classification: Likely benign for PCLO-related condition. Last evaluated: 2023-10-23. Review status: no assertion criteria provided. Collection method: clinical testing. Allele origin: germline. Not counted in ClinVar's aggregate classification.
Comment: This variant is classified as likely benign based on ACMG/AMP sequence variant interpretation guidelines (Richards et al. 2015 PMID: 25741868, with internal and published modifications).